The following is an entry in ClinVar:

NM_001458.5(FLNC):c.6830G>A (p.Arg2277His)

Genes: FLNC (filamin C; plus strand), FLNC-AS1 (FLNC antisense RNA 1; minus strand). Cytogenetic location: 7q32.1.
Variant type: single nucleotide variant.
Coding change: c.6830G>A on transcript NM_001458.5 (MANE Select); coding-DNA position 6830, G replaced by A.
Protein change: p.Arg2277His; replaces arginine 2277 with histidine.
Molecular consequence: missense variant.
Genome position (GRCh38, 1-based): chr7:128,854,515, G>A. VCF-style: chr7-128854515-G-A. GRCh37 (hg19) VCF-style: chr7-128494569-G-A.
Other names: c.6731G>A, p.Arg2244His (NM_001127487.2); short protein forms R2244H, R2277H.
Identifiers: ClinVar variation 862632 (VCV000862632.10), dbSNP rs1186556555, ClinGen allele CA369213849.

ClinVar aggregate classification (germline): Uncertain significance (1 of 4 stars; one submission).

Conditions:
Myofibrillar myopathy 5. Also called: Filaminopathy (type); FILAMINOPATHY, AUTOSOMAL DOMINANT. Identifiers: Orphanet 171445, MedGen C1836050, MONDO:0012289, OMIM 609524.
Distal myopathy with posterior leg and anterior hand involvement. Also called: WILLIAMS DISTAL MYOPATHY. Identifiers: Orphanet 63273, MedGen C3279722, MONDO:0013550, OMIM 614065.
Hypertrophic cardiomyopathy 26. Also called: Cardiomyopathy, familial hypertrophic, 26. Identifiers: Orphanet 75249, MedGen C4310749, MONDO:0014883, OMIM 617047.

Allele frequency attached by ClinVar (database versions not stated): gnomAD exomes below 0.00001.

Submission:

Labcorp Genetics (formerly Invitae), Labcorp
Classification: Uncertain significance for Distal myopathy with posterior leg and anterior hand involvement; Myofibrillar myopathy 5; Hypertrophic cardiomyopathy 26. Last evaluated: 2025-03-10. Review status: criteria provided, single submitter. Criteria: Invitae Variant Classification Sherloc (09022015). Collection method: clinical testing. Allele origin: germline.
Comment: This sequence change replaces arginine, which is basic and polar, with histidine, which is basic and polar, at codon 2277 of the FLNC protein (p.Arg2277His). This variant is not present in population databases (gnomAD no frequency). This variant has not been reported in the literature in individuals affected with FLNC-related conditions. ClinVar contains an entry for this variant (Variation ID: 862632). Invitae Evidence Modeling of protein sequence and biophysical properties (such as structural, functional, and spatial information, amino acid conservation, physicochemical variation, residue mobility, and thermodynamic stability) indicates that this missense variant is not expected to disrupt FLNC protein function with a negative predictive value of 95%. In summary, the available evidence is currently insufficient to determine the role of this variant in disease. Therefore, it has been classified as a Variant of Uncertain Significance.